The following is an entry in ClinVar:

ClinVar aggregate classification (germline): Pathogenic (1 of 4 stars; one submission).

Submission:

ARUP Laboratories, Molecular Genetics and Genomics, ARUP Laboratories
Classification: Pathogenic. Last evaluated: 2021-01-07. Review status: criteria provided, single submitter. Criteria: ARUP Molecular Germline Variant Investigation Process 2021. Collection method: clinical testing. Allele origin: germline.
Comment: The NF1 c.2815_2816insG; p.Asn939ArgfsTer8 variant, to our knowledge, is not reported in the medical literature or gene specific databases. This variant is absent from general population databases (Exome Variant Server, Genome Aggregation Database), indicating it is not a common polymorphism. This variant causes a frameshift by inserting a single nucleotide, so it is predicted to result in a truncated protein or mRNA subject to nonsense-mediated decay. Additionally, several downstream truncating variants have been described in individuals with neurofibromatosis type 1 and are considered pathogenic (Tsipi, 2018). Based on available information, this variant is considered to be pathogenic. References: Tsipi m et al. Phenotypic expression of a spectrum of Neurofibromatosis Type 1 (NF1) mutations identified through NGS and MLPA. J Neurol Sci. 2018 Dec 15;395:95-105.

NM_001042492.3(NF1):c.2815_2816insG (p.Asn939fs)

Gene: NF1 (neurofibromin 1; plus strand). Cytogenetic location: 17q11.2.
Variant type: Insertion.
Coding change: c.2815_2816insG on transcript NM_001042492.3 (MANE Select); coding-DNA positions 2815 to 2816, G inserted.
Protein change: p.Asn939fs; shifts the reading frame from asparagine 939.
Molecular consequence: frameshift variant.
Genome position: GRCh38 VCF-style: chr17-31229430-A-AG. GRCh37 (hg19) VCF-style: chr17-29556448-A-AG.
Other names: c.2815_2816insG, p.Asn939Argfs (NM_000267.4); short protein forms N939fs.
Identifiers: ClinVar variation 1330627 (VCV001330627.7), dbSNP rs2151429753, ClinGen allele CA2573054378.
Genomic context (GRCh38, chr17:31,229,430, plus strand): 5'-GATCTGGTGGGTCTAGAATTGAGTCCTGCTCTGTATCCAATGCTATTTAACAAATTGAAG[A>AG]ATACCATCAGCAAGTTTTTTGACTCCCAAGGACAGGTAAAGTGTTCTCTTATTTTTCACC-3'